The following is an entry in ClinVar:

ClinVar aggregate classification (germline): Uncertain significance. Review status: criteria provided, multiple submitters, no conflicts (2 of 4 stars). 2 submissions from 2 submitters: Uncertain significance (2). Last evaluated 2025-12-22.

Conditions:
Inborn genetic diseases. Identifiers: MedGen C0950123, MeSH D030342.

Allele frequency attached by ClinVar (database versions not stated): gnomAD 0.00001; gnomAD exomes 0.00001; ExAC 0.00001; TOPMed 0.00002.
gnomAD v4.1: 18 of 1,613,588 alleles (0.0011%); highest among the groups gnomAD compares: Non-Finnish European, 0.0015%; no homozygotes.

Submissions (2):

Labcorp Genetics (formerly Invitae), Labcorp
Classification: Uncertain significance. Last evaluated: 2025-12-22. Review status: criteria provided, single submitter. Criteria: Invitae Variant Classification Sherloc (09022015). Collection method: clinical testing. Allele origin: germline.
Comment: This sequence change replaces histidine, which is basic and polar, with leucine, which is neutral and non-polar, at codon 155 of the DCHS1 protein (p.His155Leu). This variant is present in population databases (rs766843737, gnomAD 0.0009%). This variant has not been reported in the literature in individuals affected with DCHS1-related conditions. ClinVar contains an entry for this variant (Variation ID: 2910907). Invitae Evidence Modeling of protein sequence and biophysical properties (such as structural, functional, and spatial information, amino acid conservation, physicochemical variation, residue mobility, and thermodynamic stability) indicates that this missense variant is not expected to disrupt DCHS1 protein function with a negative predictive value of 95%. In summary, the available evidence is currently insufficient to determine the role of this variant in disease. Therefore, it has been classified as a Variant of Uncertain Significance.

Ambry Genetics
Classification: Uncertain significance for Inborn genetic diseases. Last evaluated: 2025-08-12. Review status: criteria provided, single submitter. Criteria: Ambry Variant Classification Scheme 2023. Collection method: clinical testing. Allele origin: germline.

NM_003737.4(DCHS1):c.464A>T (p.His155Leu)

Gene: DCHS1 (dachsous cadherin-related 1; minus strand). Cytogenetic location: 11p15.4.
Variant type: single nucleotide variant.
Coding change: c.464A>T on transcript NM_003737.4 (MANE Select); coding-DNA position 464, A replaced by T.
Protein change: p.His155Leu; replaces histidine 155 with leucine.
Molecular consequence: missense variant.
Genome position (GRCh38, 1-based): chr11:6,641,150, T>A on the plus strand (A>T on the coding strand, the complement: DCHS1 is on the minus strand). VCF-style: chr11-6641150-T-A. GRCh37 (hg19) VCF-style: chr11-6662381-T-A.
Other names: c.464A>T (NM_003737.2); short protein forms H155L.
Identifiers: ClinVar variation 2910907 (VCV002910907.4), dbSNP rs766843737, ClinGen allele CA5861150.